The following is an entry in ClinVar:

NM_000277.3(PAH):c.1235T>G (p.Val412Gly)

Gene: PAH (phenylalanine hydroxylase; minus strand). Cytogenetic location: 12q23.2.
Variant type: single nucleotide variant.
Coding change: c.1235T>G on transcript NM_000277.3 (MANE Select); coding-DNA position 1235, T replaced by G.
Protein change: p.Val412Gly; replaces valine 412 with glycine.
Molecular consequence: missense variant.
Genome position (GRCh38, 1-based): chr12:102,840,480, A>C on the plus strand (T>G on the coding strand, the complement: PAH is on the minus strand). VCF-style: chr12-102840480-A-C. GRCh37 (hg19) VCF-style: chr12-103234258-A-C.
Other names: c.1235T>G, p.Val412Gly (NM_001354304.2); short protein forms V412G.
Identifiers: ClinVar variation 932266 (VCV000932266.1), dbSNP rs1874542925, ClinGen allele CA16020975.

ClinVar aggregate classification (germline): Uncertain significance (3 of 4 stars; one submission).

Conditions:
Phenylketonuria (PKU). Also called: OLIGOPHRENIA PHENYLPYRUVICA; Phenylketonurias; Phenylketonuria (PKU); FOLLING DISEASE. Identifiers: Orphanet 716, MedGen C0031485, MONDO:0009861, OMIM 261600. Disease mechanism: loss of function.

Submission:

ClinGen PAH Variant Curation Expert Panel
Classification: Uncertain significance for Phenylketonuria. Last evaluated: 2020-06-25. Review status: reviewed by expert panel. Criteria: ClinGen PAH ACMG Specifications v1. Collection method: curation. Allele origin: germline. Inheritance: Autosomal recessive inheritance.
Comment: The c.1235T>G (p.Val412Gly) variant in PAH meets criteria to be classified as uncertain significance due to insufficient evidence. PAH-specific ACMG/AMP criteria applied: PM2: Absent from population databases (1000 Genomes, ExAC). PP3: Computational prediction tools suggest that the c.1235T>G variant is damaging to protein function. Evolutionarily conserved. PP4: Patient has classic PKU (PMID:24350308). PM3_Supporting: Found to co-occur with p.R408W in one patient with classic PKU, but no additional studies to demonstrate phase of variants. No other PAH variants identified in patient (PMID:24350308). Undefined BH4 responsiveness (PMID:24350308)

Literature cited by the submitters: PubMed 24350308.